The following is an entry in ClinVar:

NM_005422.4(TECTA):c.6099C>T (p.Tyr2033=)

Genes: TBCEL-TECTA (TBCEL-TECTA readthrough; plus strand), TECTA (tectorin alpha; plus strand). Cytogenetic location: 11q23.3.
Variant type: single nucleotide variant.
Coding change: c.6099C>T on transcript NM_005422.4 (MANE Select); coding-DNA position 6099, C replaced by T.
Protein change: p.Tyr2033=; no amino-acid change (tyrosine 2033 retained).
Molecular consequence: synonymous variant.
Genome position (GRCh38, 1-based): chr11:121,187,931, C>T. VCF-style: chr11-121187931-C-T. GRCh37 (hg19) VCF-style: chr11-121058640-C-T.
Other names: c.7041C>T, p.Tyr2347= (NM_001378761.1).
Identifiers: ClinVar variation 1216277 (VCV001216277.4), dbSNP rs372866118, ClinGen allele CA6327882.

ClinVar aggregate classification (germline): Likely benign. Review status: criteria provided, multiple submitters, no conflicts (2 of 4 stars). 2 submissions from 2 submitters: Likely benign (2). Last evaluated 2026-01-05.

Conditions:
TECTA-related disorder. Also called: TECTA-related condition.

Allele frequency attached by ClinVar (database versions not stated): gnomAD 0.00004; TOPMed 0.00006; ExAC 0.00008; gnomAD exomes 0.00008 and 0.00012; ESP Exome Variant Server 0.00015.
gnomAD v4.1: 184 of 1,614,014 alleles (0.011%); highest among the groups gnomAD compares: South Asian, 0.02%; 1 homozygote.

Submissions (2):

PreventionGenetics, part of Exact Sciences
Classification: Likely benign for TECTA-related condition. Last evaluated: 2026-01-05. Review status: criteria provided, single submitter. Criteria: ACMG Guidelines, 2015. Collection method: clinical testing. Allele origin: germline.
Comment: This variant is classified as likely benign based on ACMG/AMP sequence variant interpretation guidelines (Richards et al. 2015 PMID: 25741868, with internal and published modifications).

GeneDx
Classification: Likely benign. Last evaluated: 2020-08-10. Review status: criteria provided, single submitter. Criteria: GeneDx Variant Classification Process June 2021. Collection method: clinical testing. Allele origin: germline. Affected: yes.